The following is an entry in ClinVar:

ClinVar aggregate classification (germline): Likely benign (1 of 4 stars; one submission).

Submission:

Clinical Genomics Laboratory, Laboratory for Precision Diagnostics, University of Washington
Classification: Likely benign. Last evaluated: 2016-07-27. Review status: criteria provided, single submitter. Criteria: Clinical Cytogenomics Laboratory Policy on CNV Interpretation. Collection method: clinical testing. Allele origin: unknown. Affected: yes. Observed: 1 variant allele.

GRCh37/hg19 12q24.33(chr12:129802877-130479794)x3

Gene: TMEM132D (transmembrane protein 132D; minus strand). Cytogenetic location: 12q24.33.
Variant type: copy number gain.
Change: copy number 3 (three copies instead of two) of chr12:129,802,877-130,479,794 (676.9 kb, GRCh37 coordinates, 1-based), cytogenetic band 12q24.33.
Identifiers: ClinVar variation 268062 (VCV000268062.4).